The following is an entry in ClinVar:

NM_015662.3(IFT172):c.1412-2A>G

Gene: IFT172 (intraflagellar transport 172; minus strand). Cytogenetic location: 2p23.3.
Variant type: single nucleotide variant.
Coding change: c.1412-2A>G on transcript NM_015662.3 (MANE Select); the canonical splice acceptor site of the intron before coding-DNA position 1412, A replaced by G.
Molecular consequence: splice acceptor variant.
Genome position (GRCh38, 1-based): chr2:27,472,364, T>C on the plus strand (A>G on the coding strand, the complement: IFT172 is on the minus strand). VCF-style: chr2-27472364-T-C. GRCh37 (hg19) VCF-style: chr2-27695231-T-C.
Other names: c.1412-2A>G (NM_015662.2, NM_001410739.1).
Identifiers: ClinVar variation 2107008 (VCV002107008.5), dbSNP rs1318391650, ClinGen allele CA346391764.
Genomic context (GRCh38, chr2:27,472,364, plus strand): 5'-CCAATCCACACGGCTCTCATGGCTGACGGTGCCAATGTTGTAGCCACCAATCAGATCCAC[T>C]ATAGAATAAAGGAGACAGGGTTAAGAAGAGAGATTCCACACATATACATAGTATGGCCAA-3'

ClinVar aggregate classification (germline): Pathogenic/Likely pathogenic. Review status: criteria provided, multiple submitters, no conflicts (2 of 4 stars). 2 submissions from 2 submitters: Pathogenic (1); Likely pathogenic (1). Last evaluated 2025-12-10.

Conditions:
IFT172-related disorder. Also called: IFT172-related condition; IFT172-related disorders.
Short-rib thoracic dysplasia 10 with or without polydactyly (SRTD10). Identifiers: Orphanet 474, MedGen C3810175, MONDO:0014284, OMIM 615630.
Retinitis pigmentosa 71 (RP71). Identifiers: Orphanet 791, MedGen C4225342, MONDO:0014618, OMIM 616394.

Allele frequency attached by ClinVar (database versions not stated): gnomAD exomes below 0.00001.
gnomAD v4.1: 3 of 1,611,882 alleles (0.00019%); highest among the groups gnomAD compares: South Asian, 0.0022%; no homozygotes.

Submissions (2):

PreventionGenetics, part of Exact Sciences
Classification: Likely pathogenic for IFT172-related condition. Last evaluated: 2025-12-10. Review status: criteria provided, single submitter. Criteria: ACMG Guidelines, 2015. Collection method: clinical testing. Allele origin: germline.
Comment: The IFT172 c.1412-2A>G variant is predicted to disrupt the AG splice acceptor site and interfere with normal splicing. To our knowledge, this variant has not been previously reported in literature in association with disease. This variant is reported in 0.0029% of alleles in individuals of Latino descent in gnomAD. Variants that disrupt the consensus splice acceptor site in IFT172 are expected to be pathogenic. This variant is interpreted as likely pathogenic.

Labcorp Genetics (formerly Invitae), Labcorp
Classification: Pathogenic for Retinitis pigmentosa 71; Short-rib thoracic dysplasia 10 with or without polydactyly. Last evaluated: 2022-04-28. Review status: criteria provided, single submitter. Criteria: Invitae Variant Classification Sherloc (09022015). Collection method: clinical testing. Allele origin: germline.
Comment: Algorithms developed to predict the effect of sequence changes on RNA splicing suggest that this variant may disrupt the consensus splice site. For these reasons, this variant has been classified as Pathogenic. This variant is present in population databases (no rsID available, gnomAD 0.003%). Disruption of this splice site has been observed in individual(s) with clinical features of Bardet-Biedl syndrome (external communication). In at least one individual the data is consistent with being in trans (on the opposite chromosome) from a pathogenic variant. This sequence change affects an acceptor splice site in intron 14 of the IFT172 gene. It is expected to disrupt RNA splicing. Variants that disrupt the donor or acceptor splice site typically lead to a loss of protein function (PMID: 16199547), and loss-of-function variants in IFT172 are known to be pathogenic (PMID: 24140113).

Literature cited by the submitters: PubMed 16199547 (cited by Labcorp Genetics (formerly Invitae), Labcorp); PubMed 24140113 (cited by Labcorp Genetics (formerly Invitae), Labcorp).